The following is an entry in ClinVar:

NM_152419.3(HGSNAT):c.31_45del (p.Leu11_Ala15del)

Genes: HGSNAT (heparan-alpha-glucosaminide N-acetyltransferase; plus strand), LOC130000316 (ATAC-STARR-seq lymphoblastoid silent region 19164; plus strand). Cytogenetic location: 8p11.21.
Variant type: Deletion.
Coding change: c.31_45del on transcript NM_152419.3 (MANE Select); coding-DNA positions 31 to 45, 15 bases deleted (CTGCTGCTGGCCGCG).
Protein change: p.Leu11_Ala15del.
Molecular consequence: inframe deletion. On other transcripts: 5 prime UTR variant (1).
Genome position (GRCh38, 1-based): chr8:43,140,527-43,140,541, CTGCTGCTGGCCGCG deleted; deleting any 15 consecutive bases within chr8:43,140,517-43,140,541 gives the same sequence; the c. name uses the placement nearest the transcript's 3' end. VCF-style (leftmost placement, unchanged base first): chr8-43140516-CGCTGGCCGCGCTGCT-C. GRCh37 (hg19) VCF-style: chr8-42995659-CGCTGGCCGCGCTGCT-C.
Other names: c.31_45del, p.Leu11_Ala15del (NM_001363227.2, NM_001363228.2); c.-803_-789del (NM_001363229.2).
Identifiers: ClinVar variation 553290 (VCV000553290.4), dbSNP rs1274083689, ClinGen allele CA581633174.

ClinVar aggregate classification (germline): Uncertain significance. Review status: criteria provided, single submitter (1 of 4 stars). 2 submissions from 2 submitters: Uncertain significance (1). 1 of the submissions does not count toward it. Last evaluated 2022-09-06.

Conditions:
Mucopolysaccharidosis, MPS-III-C (MPS3C). Also called: SANFILIPPO SYNDROME C; MPS III C; MUCOPOLYSACCHARIDOSIS, TYPE IIIC; Mucopolysaccharidosis type IIIC (Sanfilippo C); MPS IIIC (Sanfilippo Syndrome Type C); mucopolysaccharidosis type 3C. Identifiers: Orphanet 581, Orphanet 79271, MedGen C0086649, MONDO:0009657, OMIM 252930.
Retinitis pigmentosa 73 (RP73). Identifiers: Orphanet 791, MedGen C4225287, MONDO:0014687, OMIM 616544.

Submissions (2):

Labcorp Genetics (formerly Invitae), Labcorp
Classification: Uncertain significance for Retinitis pigmentosa 73; Mucopolysaccharidosis, MPS-III-C. Last evaluated: 2022-09-06. Review status: criteria provided, single submitter. Criteria: Invitae Variant Classification Sherloc (09022015). Collection method: clinical testing. Allele origin: germline.
Comment: This variant, c.31_45del, results in the deletion of 5 amino acid(s) of the HGSNAT protein (p.Leu11_Ala15del), but otherwise preserves the integrity of the reading frame. This variant is present in population databases (no rsID available, gnomAD 0.01%). This variant has not been reported in the literature in individuals affected with HGSNAT-related conditions. ClinVar contains an entry for this variant (Variation ID: 553290). Experimental studies and prediction algorithms are not available or were not evaluated, and the functional significance of this variant is currently unknown. In summary, the available evidence is currently insufficient to determine the role of this variant in disease. Therefore, it has been classified as a Variant of Uncertain Significance.

Counsyl
Classification: Uncertain significance for Mucopolysaccharidosis, MPS-III-C. Last evaluated: 2017-08-23. Review status: no assertion criteria provided. Collection method: clinical testing. Allele origin: unknown. Not counted in ClinVar's aggregate classification.